The following is an entry in ClinVar:

NM_000245.4(MET):c.322T>A (p.Ser108Thr)

Gene: MET (MET proto-oncogene, receptor tyrosine kinase; plus strand). Cytogenetic location: 7q31.2.
Variant type: single nucleotide variant.
Coding change: c.322T>A on transcript NM_000245.4 (MANE Select); coding-DNA position 322, T replaced by A.
Protein change: p.Ser108Thr; replaces serine 108 with threonine.
Molecular consequence: missense variant. On other transcripts: intron variant (1).
Genome position (GRCh38, 1-based): chr7:116,699,406, T>A. VCF-style: chr7-116699406-T-A. GRCh37 (hg19) VCF-style: chr7-116339460-T-A.
Other names: c.322T>A, p.Ser108Thr (NM_001127500.3, NM_001324401.3); c.-91+26829T>A (NM_001324402.2); short protein forms S108T.
Identifiers: ClinVar variation 1729187 (VCV001729187.5), dbSNP rs2116585822, ClinGen allele CA368968821.

ClinVar aggregate classification (germline): Conflicting classifications of pathogenicity. Review status: criteria provided, conflicting classifications (1 of 4 stars). 2 submissions from 2 submitters: Uncertain significance (1); Likely benign (1). Last evaluated 2026-09-04.

Conditions:
Renal cell carcinoma. Identifiers: Orphanet 217071, MedGen C0007134, MeSH D002292, MONDO:0005086, HP:0005584.
Hereditary cancer-predisposing syndrome. Also called: Hereditary Cancer Syndrome; Hereditary neoplastic syndrome; Neoplastic Syndromes, Hereditary; Tumor predisposition. Identifiers: Orphanet 140162, MedGen C0027672, MeSH D009386, MONDO:0015356.

Submissions (2):

Ambry Genetics
Classification: Likely benign for Hereditary cancer-predisposing syndrome. Last evaluated: 2026-09-04. Review status: criteria provided, single submitter. Criteria: Ambry Variant Classification Scheme 2023. Collection method: clinical testing. Allele origin: germline.

Labcorp Genetics (formerly Invitae), Labcorp
Classification: Uncertain significance for Renal cell carcinoma. Last evaluated: 2025-07-04. Review status: criteria provided, single submitter. Criteria: Invitae Variant Classification Sherloc (09022015). Collection method: clinical testing. Allele origin: germline.
Comment: This sequence change replaces serine, which is neutral and polar, with threonine, which is neutral and polar, at codon 108 of the MET protein (p.Ser108Thr). This variant is not present in population databases (gnomAD no frequency). This variant has not been reported in the literature in individuals affected with MET-related conditions. ClinVar contains an entry for this variant (Variation ID: 1729187). An algorithm developed to predict the effect of missense changes on protein structure and function (PolyPhen-2) suggests that this variant is likely to be tolerated. In summary, the available evidence is currently insufficient to determine the role of this variant in disease. Therefore, it has been classified as a Variant of Uncertain Significance.